The following is an entry in ClinVar:

ClinVar aggregate classification (germline): Uncertain significance. Review status: criteria provided, multiple submitters, no conflicts (2 of 4 stars). 2 submissions from 2 submitters: Uncertain significance (2). Last evaluated 2025-12-04.

gnomAD v4.1: 21 of 1,614,118 alleles (0.0013%); highest among the groups gnomAD compares: Admixed American, 0.0033%; no homozygotes.

Submissions (2):

Labcorp Genetics (formerly Invitae), Labcorp
Classification: Uncertain significance. Last evaluated: 2025-12-04. Review status: criteria provided, single submitter. Criteria: Invitae Variant Classification Sherloc (09022015). Collection method: clinical testing. Allele origin: germline.
Comment: This sequence change replaces methionine, which is neutral and non-polar, with isoleucine, which is neutral and non-polar, at codon 407 of the ACOX2 protein (p.Met407Ile). This variant is present in population databases (no rsID available, gnomAD 0.003%). This variant has not been reported in the literature in individuals affected with ACOX2-related conditions. ClinVar contains an entry for this variant (Variation ID: 3718211). Invitae Evidence Modeling of protein sequence and biophysical properties (such as structural, functional, and spatial information, amino acid conservation, physicochemical variation, residue mobility, and thermodynamic stability) indicates that this missense variant is not expected to disrupt ACOX2 protein function with a negative predictive value of 80%. In summary, the available evidence is currently insufficient to determine the role of this variant in disease. Therefore, it has been classified as a Variant of Uncertain Significance.

Ambry Genetics
Classification: Uncertain significance. Last evaluated: 2025-10-22. Review status: criteria provided, single submitter. Criteria: Ambry Variant Classification Scheme 2023. Collection method: clinical testing. Allele origin: germline.

NM_003500.4(ACOX2):c.1221G>A (p.Met407Ile)

Gene: ACOX2 (acyl-CoA oxidase 2; minus strand). Cytogenetic location: 3p14.3.
Variant type: single nucleotide variant.
Coding change: c.1221G>A on transcript NM_003500.4 (MANE Select); coding-DNA position 1221, G replaced by A.
Protein change: p.Met407Ile; replaces methionine 407 with isoleucine.
Molecular consequence: missense variant.
Genome position (GRCh38, 1-based): chr3:58,526,591, C>T on the plus strand (G>A on the coding strand, the complement: ACOX2 is on the minus strand). VCF-style: chr3-58526591-C-T. GRCh37 (hg19) VCF-style: chr3-58512318-C-T.
Other names: c.1221G>A (NM_003500.3); short protein forms M407I.
Identifiers: ClinVar variation 3718211 (VCV003718211.3).